The following is an entry in ClinVar:

ClinVar aggregate classification (germline): Pathogenic. Review status: criteria provided, multiple submitters, no conflicts (2 of 4 stars). 3 submissions from 3 submitters: Pathogenic (3). Last evaluated 2026-01-31.

Conditions:
Wiskott-Aldrich syndrome (WAS). Also called: ALDRICH SYNDROME; IMMUNODEFICIENCY 2; WISKOTT-ALDRICH SYNDROME 1; Wiskott-aldrich syndrome, somatic. Identifiers: Orphanet 906, MedGen C0043194, MONDO:0010518, OMIM 301000.
X-linked severe congenital neutropenia (SCNX). Identifiers: Orphanet 86788, MedGen C1845987, MONDO:0010294, OMIM 300299.
Thrombocytopenia 1. Also called: X-linked thrombocytopenia with normal platelets; THROMBOCYTOPENIA, X-LINKED, 1; X-Linked Thrombocytopenia (XLT). Identifiers: Orphanet 268322, Orphanet 852, MedGen C1839163, MONDO:0010743, OMIM 313900.

Submissions (3):

Labcorp Genetics (formerly Invitae), Labcorp
Classification: Pathogenic for Wiskott-Aldrich syndrome; X-linked severe congenital neutropenia; Thrombocytopenia 1. Last evaluated: 2026-01-31. Review status: criteria provided, single submitter. Criteria: Invitae Variant Classification Sherloc (09022015). Collection method: clinical testing. Allele origin: germline.
Comment: This sequence change affects a donor splice site in intron 3 of the WAS gene. It is expected to disrupt RNA splicing. Variants that disrupt the donor or acceptor splice site typically lead to a loss of protein function (PMID: 16199547), and loss-of-function variants in WAS are known to be pathogenic (PMID: 15284122). This variant is not present in population databases (gnomAD no frequency). Disruption of this splice site has been observed in individual(s) with WAS-related conditions (PMID: 9126958, 39052144). This variant is also known as Intron 3, G->A (+1). ClinVar contains an entry for this variant (Variation ID: 381690). Studies have shown that disruption of this splice site alters WAS gene expression (PMID: 9126958). Algorithms developed to predict the effect of sequence changes on RNA splicing suggest that this variant may disrupt the consensus splice site. For these reasons, this variant has been classified as Pathogenic.

Women's Health and Genetics/Laboratory Corporation of America, LabCorp
Classification: Pathogenic for Wiskott-Aldrich syndrome. Last evaluated: 2022-06-10. Review status: criteria provided, single submitter. Criteria: LabCorp Variant Classification Summary - May 2015. Collection method: clinical testing. Allele origin: germline.
Comment: Variant summary: WAS c.360+1G>A is located in a canonical splice-site and is predicted to affect mRNA splicing resulting in a significantly altered protein due to either exon skipping, shortening, or inclusion of intronic material. Several computational tools predict a significant impact on normal splicing: Four predict the variant abolishes a 5 prime splicing donor site. At least two functional studies report this variant affects mRNA splicing (Remold-ODonnell_1997, Imai_2004). The variant was absent in 149544 control chromosomes (gnomAD). c.360+1G>A has been reported in the literature in multiple individuals affected with Wiskott-Aldrich Syndrome (Remold-ODonnell_1997, Lmai_2004, Proust_2007, Lee_2009, Liu_2015). These data indicate that the variant is very likely to be associated with disease. At least one publication reports WASP protein was not expressed in B cell lines of the patient who carried this variant (Remold-ODonnell_1997). One clinical diagnostic laboratory has submitted clinical-significance assessments for this variant to ClinVar after 2014 without evidence for independent evaluation and classified the variant as pathogenic. Based on the evidence outlined above, the variant was classified as pathogenic.

GeneDx
Classification: Pathogenic. Last evaluated: 2016-11-18. Review status: criteria provided, single submitter. Criteria: GeneDx Variant Classification (06012015). Collection method: clinical testing. Allele origin: germline. Affected: yes.
Comment: The c.360+1 G>A splice site variant in the WAS gene has been previously reported in association with Wiskott-Aldrich syndrome (Zhang et al., 2010; Remold-O'Donnell et al., 1997). The c.360+1 G>A variant was not observed in approximately 6,500 individuals of European and African American ancestry in the NHLBI Exome Sequencing Project, indicating it is not a common benign variant in these populations. This variant destroys the canonical splice donor site in intron 3, and is expected to cause abnormal gene splicing. Therefore, we consider this variant to be pathogenic.

Literature cited by the submitters: PubMed 16199547 (cited by Labcorp Genetics (formerly Invitae), Labcorp); PubMed 15284122 (cited by Labcorp Genetics (formerly Invitae), Labcorp); PubMed 9126958 (cited by Labcorp Genetics (formerly Invitae), Labcorp and Women's Health and Genetics/Laboratory Corporation of America, LabCorp); PubMed 39052144 (cited by Labcorp Genetics (formerly Invitae), Labcorp); PubMed 12969986 (cited by Women's Health and Genetics/Laboratory Corporation of America, LabCorp); PubMed 19308710 (cited by Women's Health and Genetics/Laboratory Corporation of America, LabCorp); PubMed 17400488 (cited by Women's Health and Genetics/Laboratory Corporation of America, LabCorp); PubMed 25931402 (cited by Women's Health and Genetics/Laboratory Corporation of America, LabCorp).

NM_000377.3(WAS):c.360+1G>A

Gene: WAS (WASP actin nucleation promoting factor; plus strand). Cytogenetic location: Xp11.23.
Variant type: single nucleotide variant.
Coding change: c.360+1G>A on transcript NM_000377.3 (MANE Select); the canonical splice donor site of the intron after coding-DNA position 360, G replaced by A.
Molecular consequence: splice donor variant.
Genome position (GRCh38, 1-based): chrX:48,685,634, G>A. VCF-style: chrX-48685634-G-A. GRCh37 (hg19) VCF-style: chrX-48544023-G-A.
Identifiers: ClinVar variation 381690 (VCV000381690.7), dbSNP rs1057520700, ClinGen allele CA16609187.